The following is an entry in ClinVar:

NM_020944.3(GBA2):c.786+6G>C

Gene: GBA2 (glucosylceramidase beta 2; minus strand). Cytogenetic location: 9p13.3.
Variant type: single nucleotide variant.
Coding change: c.786+6G>C on transcript NM_020944.3 (MANE Select); 6 bases into the intron after coding-DNA position 786, G replaced by C.
Molecular consequence: intron variant.
Genome position (GRCh38, 1-based): chr9:35,741,666, C>G on the plus strand (G>C on the coding strand, the complement: GBA2 is on the minus strand). VCF-style: chr9-35741666-C-G. GRCh37 (hg19) VCF-style: chr9-35741663-C-G.
Other names: p.?; c.786+6G>C (NM_001330660.2).
Identifiers: ClinVar variation 241330 (VCV000241330.13), dbSNP rs28584995, ClinGen allele CA5050627.
Genomic context (GRCh38, chr9:35,741,666, plus strand): 5'-AGTTTCTAGCAGAGGCAGGTCCTGGGGAAGGGAGGGCAATGGAAGATACAGATGTGGGGG[C>G]CTCACCTGGTAGTCATGGGGCAAGATGGGTGTGATCTGACGGCAGGTGAGGGTGACATTC-3'

ClinVar aggregate classification (germline): Benign. Review status: criteria provided, multiple submitters, no conflicts (2 of 4 stars). 4 submissions from 4 submitters: Benign (4). Last evaluated 2026-01-26.

Conditions:
GBA2-related disorder. Also called: GBA2-related condition.
Spastic paraplegia. Identifiers: MedGen C0037772, HP:0001258.

Allele frequency attached by ClinVar (database versions not stated): gnomAD 0.00688 and 0.00732; TOPMed 0.00759; ESP Exome Variant Server 0.00761; 1000 Genomes Project 0.00978; 1000 Genomes Project 30x 0.00984.

Submissions (4):

Labcorp Genetics (formerly Invitae), Labcorp
Classification: Benign for Spastic paraplegia. Last evaluated: 2026-01-26. Review status: criteria provided, single submitter. Criteria: Invitae Variant Classification Sherloc (09022015). Collection method: clinical testing. Allele origin: germline.

PreventionGenetics, part of Exact Sciences
Classification: Benign for GBA2-related condition. Last evaluated: 2024-10-13. Review status: criteria provided, single submitter. Criteria: ACMG Guidelines, 2015. Collection method: clinical testing. Allele origin: germline.
Comment: This variant is classified as benign based on ACMG/AMP sequence variant interpretation guidelines (Richards et al. 2015 PMID: 25741868, with internal and published modifications).

Mayo Clinic Laboratories, Mayo Clinic
Classification: Benign. Last evaluated: 2023-09-05. Review status: criteria provided, single submitter. Criteria: ACMG Guidelines, 2015. Collection method: clinical testing. Allele origin: germline. Observed: 3 variant alleles.
Comment: BA1, BS2, BP4, BP7

GeneDx
Classification: Benign. Last evaluated: 2018-03-20. Review status: criteria provided, single submitter. Criteria: GeneDx Variant Classification (06012015). Collection method: clinical testing. Allele origin: germline. Affected: yes.
Comment: This variant is considered likely benign or benign based on one or more of the following criteria: it is a conservative change, it occurs at a poorly conserved position in the protein, it is predicted to be benign by multiple in silico algorithms, and/or has population frequency not consistent with disease.